The following is an entry in ClinVar:

ClinVar aggregate classification (germline): Pathogenic. Review status: criteria provided, multiple submitters, no conflicts (2 of 4 stars). 2 submissions from 2 submitters: Pathogenic (2). Last evaluated 2024-05-21.

Conditions:
Retinitis pigmentosa 26 (RP26). Identifiers: Orphanet 791, MedGen C1842127, MONDO:0012024, OMIM 608380.

Submissions (2):

Fulgent Genetics
Classification: Pathogenic for Retinitis pigmentosa 26. Last evaluated: 2024-05-21. Review status: criteria provided, single submitter. Criteria: ACMG Guidelines, 2015. Collection method: clinical testing. Allele origin: germline.

Labcorp Genetics (formerly Invitae), Labcorp
Classification: Pathogenic. Last evaluated: 2023-08-18. Review status: criteria provided, single submitter. Criteria: Invitae Variant Classification Sherloc (09022015). Collection method: clinical testing. Allele origin: germline.
Comment: This variant is not present in population databases (gnomAD no frequency). This sequence change creates a premature translational stop signal (p.Val377Argfs*43) in the CERKL gene. It is expected to result in an absent or disrupted protein product. Loss-of-function variants in CERKL are known to be pathogenic (PMID: 14681825, 23591405, 24043777). This variant has not been reported in the literature in individuals affected with CERKL-related conditions. Algorithms developed to predict the effect of sequence changes on RNA splicing suggest that this variant may create or strengthen a splice site. For these reasons, this variant has been classified as Pathogenic.

Literature cited by the submitters: PubMed 14681825 (cited by Labcorp Genetics (formerly Invitae), Labcorp); PubMed 23591405 (cited by Labcorp Genetics (formerly Invitae), Labcorp); PubMed 24043777 (cited by Labcorp Genetics (formerly Invitae), Labcorp).

NM_201548.5(CERKL):c.1050_1053del (p.Val351fs)

Gene: CERKL (CERK like autophagy regulator; minus strand). Cytogenetic location: 2q31.3.
Variant type: Deletion.
Coding change: c.1050_1053del on transcript NM_201548.5 (MANE Select); coding-DNA positions 1050 to 1053, 4 bases deleted (TGTT; older notation c.1050_1053delTGTT).
Protein change: p.Val351fs; shifts the reading frame from valine 351.
Molecular consequence: frameshift variant. On other transcripts: non-coding transcript variant (2).
Genome position (GRCh38, 1-based): chr2:181,548,700-181,548,703, AACA deleted on the plus strand (TGTT on the coding strand, the reverse complement: CERKL is on the minus strand); deleting any 4 consecutive bases within chr2:181,548,700-181,548,704 gives the same sequence; the c. name uses the placement nearest the transcript's 3' end. VCF-style (leftmost placement, unchanged base first): chr2-181548699-TAACA-T. GRCh37 (hg19) VCF-style: chr2-182413426-TAACA-T.
Other names: c.1128_1131del (NM_001030311.2); c.1128_1131del, p.Val377fs (NM_001030311.3); c.711_714del, p.Val238fs (NM_001030312.3); c.843_846del, p.Val282fs (NM_001030313.3); c.*331_*334delTTGT (NM_001030314.1, NM_001030315.1); c.996_999del, p.Val333fs (NM_001160277.2); short protein forms V333fs, V351fs, V377fs, V238fs, V282fs.
Identifiers: ClinVar variation 2871285 (VCV002871285.4), dbSNP rs2468295519, ClinGen allele CA2586970893.